The following is an entry in ClinVar:

ClinVar aggregate classification (germline): Uncertain significance. Review status: criteria provided, multiple submitters, no conflicts (2 of 4 stars). 13 submissions from 12 submitters: Uncertain significance (11). 2 of the submissions do not count toward it. Last evaluated 2025-10-29.

Conditions:
Familial ovarian cancer. Identifiers: MedGen C5679802, MONDO:0016248.
Hereditary cancer-predisposing syndrome. Also called: Tumor predisposition; Hereditary neoplastic syndrome; Neoplastic Syndromes, Hereditary; Hereditary Cancer Syndrome. Identifiers: Orphanet 140162, MedGen C0027672, MeSH D009386, MONDO:0015356.
Familial cancer of breast. Also called: BREAST CANCER, FAMILIAL; Hereditary breast cancer; hereditary breast carcinoma. Identifiers: Orphanet 227535, MedGen C0346153, MONDO:0016419, OMIM 114480. Disease mechanism: loss of function.
Fanconi anemia complementation group J. Also called: BRIP1-Related Fanconi Anemia. Identifiers: Orphanet 84, MedGen C1836860, MONDO:0012187, OMIM 609054.
Ovarian cancer. Also called: OVARIAN CANCER, SOMATIC. Identifiers: Orphanet 213500, MedGen C1140680, MONDO:0008170, OMIM 167000.

Allele frequency attached by ClinVar (database versions not stated): gnomAD 0.00003 and 0.00004; gnomAD exomes 0.00004; TOPMed 0.00006; ExAC 0.00007; ESP Exome Variant Server 0.00008.

Submissions (13):

Labcorp Genetics (formerly Invitae), Labcorp
Classification: Uncertain significance for Familial cancer of breast; Fanconi anemia complementation group J. Last evaluated: 2025-10-29. Review status: criteria provided, single submitter. Criteria: Invitae Variant Classification Sherloc (09022015). Collection method: clinical testing. Allele origin: germline.
Comment: This sequence change replaces arginine, which is basic and polar, with tryptophan, which is neutral and slightly polar, at codon 403 of the BRIP1 protein (p.Arg403Trp). This variant is present in population databases (rs369631413, gnomAD 0.008%). This missense change has been observed in individual(s) with breast cancer and/or renal cell carcinoma (PMID: 25452441, 32830346). ClinVar contains an entry for this variant (Variation ID: 136141). Invitae Evidence Modeling of protein sequence and biophysical properties (such as structural, functional, and spatial information, amino acid conservation, physicochemical variation, residue mobility, and thermodynamic stability) indicates that this missense variant is expected to disrupt BRIP1 protein function with a positive predictive value of 95%. In summary, the available evidence is currently insufficient to determine the role of this variant in disease. Therefore, it has been classified as a Variant of Uncertain Significance.

Ambry Genetics
Classification: Uncertain significance for Hereditary cancer-predisposing syndrome. Last evaluated: 2025-07-30. Review status: criteria provided, single submitter. Criteria: Ambry Variant Classification Scheme 2023. Collection method: clinical testing. Allele origin: germline.
Comment: The p.R403W variant (also known as c.1207C>T), located in coding exon 8 of the BRIP1 gene, results from a C to T substitution at nucleotide position 1207. The arginine at codon 403 is replaced by tryptophan, an amino acid with dissimilar properties. This amino acid position is highly conserved in available vertebrate species. In addition, this alteration is predicted to be deleterious by in silico analysis. Based on the available evidence, the clinical significance of this variant remains unclear.

Molecular Pathology, Peter Maccallum Cancer Centre
Classification: Uncertain significance for Familial ovarian cancer. Last evaluated: 2025-03-13. Review status: criteria provided, single submitter. Criteria: ACMG Guidelines, 2015. Collection method: clinical testing. Allele origin: germline. Inheritance: Autosomal dominant inheritance.

Women's Health and Genetics/Laboratory Corporation of America, LabCorp
Classification: Uncertain significance. Last evaluated: 2025-02-16. Review status: criteria provided, single submitter. Criteria: LabCorp Variant Classification Summary - May 2015. Collection method: clinical testing. Allele origin: germline.
Comment: Variant summary: BRIP1 c.1207C>T (p.Arg403Trp) results in a non-conservative amino acid change located in the Helicase-like, DEXD box c2 type domain of the encoded protein sequence. Five of five in-silico tools predict a damaging effect of the variant on protein function. The variant allele was found at a frequency of 4.4e-05 in 250950 control chromosomes. This frequency is not significantly higher than estimated for a pathogenic variant in BRIP1 causing Breast Cancer (4.4e-05 vs 6.3e-05), allowing no conclusion about variant significance. c.1207C>T has been reported in the literature in an individual affected with Breast Cancer (e.g. Couch_2015). These report(s) do not provide unequivocal conclusions about association of the variant with Breast Cancer. To our knowledge, no experimental evidence demonstrating an impact on protein function has been reported. The following publications have been ascertained in the context of this evaluation (PMID: 25452441, 26921362, 29368626). ClinVar contains an entry for this variant (Variation ID: 136141). Based on the evidence outlined above, the variant was classified as uncertain significance.

Institute for Biomarker Research, Medical Diagnostic Laboratories, L.L.C.
Classification: Uncertain significance for Hereditary cancer-predisposing syndrome. Last evaluated: 2024-10-15. Review status: criteria provided, single submitter. Criteria: ACMG Guidelines, 2015. Collection method: clinical testing. Allele origin: germline.
Comment: The missense variant NM_032043.3(BRIP1):c.1207C>T (p.Arg403Trp) has not been reported previously as a pathogenic variant nor as a benign variant, to our knowledge. The p.Arg403Trp variant is observed in 8/113,414 (0.0071%) alleles from individuals of gnomAD Non Finnish European background in gnomAD. The p.Arg403Trp variant is novel (not in any individuals) in 1kG. There is a moderate physicochemical difference between arginine and tryptophan. The gene BRIP1 has a low rate of benign missense variation as indicated by a high missense variants Z-Score of 2.45. The gene BRIP1 contains 18 pathogenic missense variants, indicating that missense variants are a common mechanism of disease in this gene. The p.Arg403Trp missense variant is predicted to be damaging by both SIFT and PolyPhen2. The arginine residue at codon 403 of BRIP1 is conserved in all mammalian species. The nucleotide c.1207 in BRIP1 is predicted conserved by GERP++ and PhyloP across 100 vertebrates. For these reasons, this variant has been classified as Uncertain Significance.

Color Diagnostics, LLC DBA Color Health
Classification: Uncertain significance for Hereditary cancer-predisposing syndrome. Last evaluated: 2024-07-01. Review status: criteria provided, single submitter. Criteria: ACMG Guidelines, 2015. Collection method: clinical testing. Allele origin: germline.
Comment: This missense variant replaces arginine with tryptophan at codon 403 of the BRIP1 protein. Computational prediction suggests that this variant may have deleterious impact on protein structure and function. To our knowledge, functional studies have not been reported for this variant. This variant has been reported in individuals affected with breast cancer (PMID: 25452441, 33471991), renal cell carcinoma (PMID: 32830346), and unaffected individuals in breast cancer studies (PMID: 26921362, 33471991). This variant has been identified in 13/282352 chromosomes in the general population by the Genome Aggregation Database (gnomAD). The available evidence is insufficient to determine the role of this variant in disease conclusively. Therefore, this variant is classified as a Variant of Uncertain Significance.

Baylor Genetics
Classification: Uncertain significance for Familial cancer of breast. Last evaluated: 2024-02-29. Review status: criteria provided, single submitter. Criteria: ACMG Guidelines, 2015. Collection method: clinical testing. Allele origin: unknown.

GeneDx
Classification: Uncertain significance. Last evaluated: 2023-06-18. Review status: criteria provided, single submitter. Criteria: GeneDx Variant Classification Process June 2021. Collection method: clinical testing. Allele origin: germline. Affected: yes.
Comment: In silico analysis supports that this missense variant has a deleterious effect on protein structure/function; Observed in individuals with breast cancer or renal cell carcinoma, but also in unaffected controls (Couch et al., 2015; Easton et al., 2016; Weber-Lassalle et al., 2018; Moyer et al., 2020; Dorling et al., 2021; Smith et al., 2021); This variant is associated with the following publications: (PMID: 25452441, 26921362, 31822495, 32830346, 33471991, 29368626)

Myriad Genetics, Inc.
Classification: Uncertain significance for Familial cancer of breast. Last evaluated: 2023-03-01. Review status: criteria provided, single submitter. Criteria: Myriad Autosomal Dominant, Autosomal Recessive and X-Linked Classification Criteria (2023). Collection method: clinical testing. Allele origin: unknown.
Comment: This variant is classified as a variant of uncertain significance as there is insufficient evidence to determine its impact on protein function and/or cancer risk.

Sema4
Classification: Uncertain significance for Hereditary cancer-predisposing syndrome. Last evaluated: 2022-02-05. Review status: criteria provided, single submitter. Criteria: Sema4 Curation Guidelines. Collection method: curation. Allele origin: germline.
Comment: The BRIP1 c.1207C>T (p.R403W) variant has been reported in heterozygosity in at least 2 individuals with triple negative breast cancer (PMID: 25452441). This variant has also been observed in a large breast cancer case control study in 3/60466 cases and 4/53461 controls (PMID: 33471991). This variant was observed in 2/24962 chromosomes in the African/African American population, according to the Genome Aggregation Database (PMID: 32461654). This variant has been reported in ClinVar (Variation ID: 136141). In silico tools suggest the impact of the variant on protein function is deleterious, though these predictions have not been confirmed by functional studies. Based on the current evidence available, this variant is interpreted as a variant of uncertain significance.

Quest Diagnostics Nichols Institute San Juan Capistrano
Classification: Uncertain significance. Last evaluated: 2017-08-09. Review status: criteria provided, single submitter. Criteria: Quest Diagnostics criteria. Collection method: clinical testing. Allele origin: germline.

Counsyl
Classification: Uncertain significance for Fanconi anemia complementation group J. Last evaluated: 2016-08-09. Review status: no assertion criteria provided. Collection method: clinical testing. Allele origin: unknown. Not counted in ClinVar's aggregate classification.

Counsyl
Classification: Uncertain significance for Ovarian cancer. Last evaluated: 2016-08-09. Review status: no assertion criteria provided. Collection method: clinical testing. Allele origin: unknown. Not counted in ClinVar's aggregate classification.

Literature cited by the submitters: PubMed 25452441 (cited by 5 submitters); PubMed 32830346 (cited by 3 submitters); PubMed 26921362 (cited by 3 submitters); PubMed 29368626 (cited by Women's Health and Genetics/Laboratory Corporation of America, LabCorp); PubMed 33471991 (cited by Color Diagnostics, LLC DBA Color Health and Sema4).

NM_032043.3(BRIP1):c.1207C>T (p.Arg403Trp)

Gene: BRIP1 (BRCA1 interacting DNA helicase 1; minus strand). Cytogenetic location: 17q23.2.
Variant type: single nucleotide variant.
Coding change: c.1207C>T on transcript NM_032043.3 (MANE Select); coding-DNA position 1207, C replaced by T.
Protein change: p.Arg403Trp; replaces arginine 403 with tryptophan.
Molecular consequence: missense variant.
Genome position (GRCh38, 1-based): chr17:61,799,233, G>A on the plus strand (C>T on the coding strand, the complement: BRIP1 is on the minus strand). VCF-style: chr17-61799233-G-A. GRCh37 (hg19) VCF-style: chr17-59876594-G-A.
Other names: short protein forms R403W.
Identifiers: ClinVar variation 136141 (VCV000136141.34), dbSNP rs369631413, ClinGen allele CA332980.
Genomic context (GRCh38, chr17:61,799,233, plus strand): 5'-CTAGTTCATCCCGAGCAAACCGAAGCTGAACTTCTGTTACACTGTAACTTGCTGATTCCC[G>A]AGCACAGTCCTCGATGTTATGAGCTTCATCTAAAATGACAACCTGTTCTTTCAGATTTAA-3'
Protein context (NP_114432.2, residues 393-413): DEAHNIEDCA[Arg403Trp]ESASYSVTEV